The following is an entry in ClinVar:

NM_000661.5(RPL9):c.20A>G (p.Asn7Ser)

Gene: RPL9 (ribosomal protein L9; minus strand). Cytogenetic location: 4p14.
Variant type: single nucleotide variant.
Coding change: c.20A>G on transcript NM_000661.5 (MANE Select); coding-DNA position 20, A replaced by G.
Protein change: p.Asn7Ser; replaces asparagine 7 with serine.
Molecular consequence: missense variant.
Genome position (GRCh38, 1-based): chr4:39,458,420, T>C on the plus strand (A>G on the coding strand, the complement: RPL9 is on the minus strand). VCF-style: chr4-39458420-T-C. GRCh37 (hg19) VCF-style: chr4-39460040-T-C.
Other names: c.20A>G, p.Asn7Ser (NM_001024921.4); short protein forms N7S.
Identifiers: ClinVar variation 2916697 (VCV002916697.4), dbSNP rs146928803, ClinGen allele CA2894438.
Genomic context (GRCh38, chr4:39,458,420, plus strand): 5'-TAAAGATGTAAGTAAAAGACATCAAGTCTCATACCATTTTCTGGAATGTCGACAGTCTGA[T>C]TGCTGAGAATAGTCTTCATTCTGAAACACAAACACTGGGGGTGAGGCCGACGCAAGGCCC-3'
Protein context (NP_000652.2, residues 1-17): MKTILS[Asn7Ser]QTVDIPENVD

ClinVar aggregate classification (germline): Conflicting classifications of pathogenicity. Review status: criteria provided, conflicting classifications (1 of 4 stars). 2 submissions from 2 submitters: Uncertain significance (1); Likely benign (1). Last evaluated 2026-01-21.

Allele frequency attached by ClinVar (database versions not stated): gnomAD exomes 0.00005; ExAC 0.00007; ESP Exome Variant Server 0.00008; TOPMed 0.00009; gnomAD 0.00010.
gnomAD v4.1: 85 of 1,614,126 alleles (0.0053%); highest among the groups gnomAD compares: African/African-American, 0.0067%; no homozygotes.

Submissions (2):

Labcorp Genetics (formerly Invitae), Labcorp
Classification: Uncertain significance. Last evaluated: 2026-01-21. Review status: criteria provided, single submitter. Criteria: Invitae Variant Classification Sherloc (09022015). Collection method: clinical testing. Allele origin: germline.
Comment: This sequence change replaces asparagine, which is neutral and polar, with serine, which is neutral and polar, at codon 7 of the RPL9 protein (p.Asn7Ser). This variant is present in population databases (rs146928803, gnomAD 0.02%). This variant has not been reported in the literature in individuals affected with RPL9-related conditions. ClinVar contains an entry for this variant (Variation ID: 2916697). An algorithm developed to predict the effect of missense changes on protein structure and function (PolyPhen-2) suggests that this variant is likely to be tolerated. In summary, the available evidence is currently insufficient to determine the role of this variant in disease. Therefore, it has been classified as a Variant of Uncertain Significance.

Blueprint Genetics
Classification: Likely benign. Last evaluated: 2023-11-04. Review status: criteria provided, single submitter. Criteria: ACMG Guidelines, 2015. Collection method: clinical testing. Allele origin: germline.